The following is an entry in ClinVar:

NM_001145358.2(SIN3A):c.2722C>T (p.Arg908Trp)

Gene: SIN3A (SIN3 transcription regulator family member A; minus strand). Cytogenetic location: 15q24.2.
Variant type: single nucleotide variant.
Coding change: c.2722C>T on transcript NM_001145358.2 (MANE Select); coding-DNA position 2722, C replaced by T.
Protein change: p.Arg908Trp; replaces arginine 908 with tryptophan.
Molecular consequence: missense variant.
Genome position (GRCh38, 1-based): chr15:75,392,371, G>A on the plus strand (C>T on the coding strand, the complement: SIN3A is on the minus strand). VCF-style: chr15-75392371-G-A. GRCh37 (hg19) VCF-style: chr15-75684712-G-A.
Other names: c.2722C>T, p.Arg908Trp (NM_001145357.2, NM_001437462.1, NM_001437463.1 and 1 more transcripts); short protein forms R908W.
Identifiers: ClinVar variation 4076170 (VCV004076170.1).
Genomic context (GRCh38, chr15:75,392,371, plus strand): 5'-GTTCCCATTCTCTCTCTCGGTTTTCTTCTTCAATTTGCCGTTCGGCTTGGGAACAAATCC[G>A]TAGCAGCCTCAGGCAGAGAATCTGGTGCAGTCGCATAAAAATATACCAGTTGTTGTTGAC-3'
Protein context (NP_001138830.1, residues 898-918): LHQILCLRLL[Arg908Trp]ICSQAERQIE

ClinVar aggregate classification (germline): Uncertain significance (1 of 4 stars; one submission).

Conditions:
SIN3A-related intellectual disability syndrome due to a point mutation. Also called: WITTEVEEN-KOLK SYNDROME; 15q24 Microdeletion Syndrome. Identifiers: Orphanet 500166, Orphanet 94065, MedGen C4310804, MONDO:0044700, OMIM 613406.

gnomAD v4.1: 2 of 1,614,088 alleles (0.00012%); highest among the groups gnomAD compares: Admixed American, 0.0017%; no homozygotes.

Submission:

Laboratorio de Genetica e Diagnostico Molecular, Hospital Israelita Albert Einstein
Classification: Uncertain significance for SIN3A-related intellectual disability syndrome due to a point mutation. Last evaluated: 2023-11-23. Review status: criteria provided, single submitter. Criteria: ACMG Guidelines, 2015. Collection method: clinical testing. Allele origin: germline. Affected: yes.
Comment: ACMG classification criteria: PM2 supporting, PP2 supporting, BP4 supporting